The following is an entry in ClinVar:

ClinVar aggregate classification (germline): Uncertain significance. Review status: criteria provided, multiple submitters, no conflicts (2 of 4 stars). 3 submissions from 3 submitters: Uncertain significance (2). 1 of the submissions does not count toward it. Last evaluated 2025-09-01.

Conditions:
Alstrom syndrome (ALMS). Identifiers: Orphanet 64, MedGen C0268425, MONDO:0008763, OMIM 203800.

Allele frequency attached by ClinVar (database versions not stated): gnomAD 0.00001 and 0.00002; gnomAD exomes 0.00001; TOPMed 0.00001; ExAC 0.00002; 1000 Genomes Project 30x 0.00016; 1000 Genomes Project 0.00020.
gnomAD v4.1: 14 of 1,614,056 alleles (0.00087%); highest among the groups gnomAD compares: Admixed American, 0.0033%; no homozygotes.

Submissions (3):

CeGaT Center for Human Genetics Tuebingen
Classification: Uncertain significance. Last evaluated: 2025-09-01. Review status: criteria provided, single submitter. Criteria: CeGaT Center For Human Genetics Tuebingen Variant Classification Criteria Version 2. Collection method: clinical testing. Allele origin: germline. Affected: yes. Observed: 1 variant allele.
Comment: ALMS1: PM2, BP4

Labcorp Genetics (formerly Invitae), Labcorp
Classification: Uncertain significance for Alstrom syndrome. Last evaluated: 2022-03-27. Review status: criteria provided, single submitter. Criteria: Invitae Variant Classification Sherloc (09022015). Collection method: clinical testing. Allele origin: germline.
Comment: This sequence change replaces arginine, which is basic and polar, with glutamine, which is neutral and polar, at codon 3703 of the ALMS1 protein (p.Arg3703Gln). This variant is present in population databases (rs188864796, gnomAD 0.004%). This variant has not been reported in the literature in individuals affected with ALMS1-related conditions. ClinVar contains an entry for this variant (Variation ID: 551466). Experimental studies and prediction algorithms are not available or were not evaluated, and the functional significance of this variant is currently unknown. In summary, the available evidence is currently insufficient to determine the role of this variant in disease. Therefore, it has been classified as a Variant of Uncertain Significance.

Counsyl
Classification: Uncertain significance for Alstrom syndrome. Last evaluated: 2017-04-11. Review status: no assertion criteria provided. Collection method: clinical testing. Allele origin: unknown. Not counted in ClinVar's aggregate classification.

NM_001378454.1(ALMS1):c.11105G>A (p.Arg3702Gln)

Gene: ALMS1 (ALMS1 centrosome and basal body associated protein; plus strand). Cytogenetic location: 2p13.1.
Variant type: single nucleotide variant.
Coding change: c.11105G>A on transcript NM_001378454.1 (MANE Select); coding-DNA position 11105, G replaced by A.
Protein change: p.Arg3702Gln; replaces arginine 3702 with glutamine.
Molecular consequence: missense variant.
Genome position (GRCh38, 1-based): chr2:73,572,982, G>A. VCF-style: chr2-73572982-G-A. GRCh37 (hg19) VCF-style: chr2-73800109-G-A.
Other names: c.11108G>A, p.Arg3703Gln (NM_015120.4); short protein forms R3703Q, R3702Q.
Identifiers: ClinVar variation 551466 (VCV000551466.10), dbSNP rs188864796, ClinGen allele CA1715122.
Genomic context (GRCh38, chr2:73,572,982, plus strand): 5'-TAGAGAAAAGCCATAAAAATACAGGCGAGCTTAAAAAAAGCAAGGTGCTTTCTCATCATC[G>A]AGCTGGGAGGTCTAATCAAATTAAAATTGAACAGATTAAATTTGATAAATATATTCTGAG-3'
Protein context (NP_001365383.1, residues 3692-3712): LKKSKVLSHH[Arg3702Gln]AGRSNQIKIE